The following is an entry in ClinVar:

ClinVar aggregate classification (germline): Uncertain significance (1 of 4 stars; one submission).

Conditions:
Cardiovascular phenotype. Identifiers: MedGen CN230736.

Allele frequency attached by ClinVar (database versions not stated): TOPMed below 0.00001; gnomAD 0.00001.
gnomAD v4.1: 3 of 1,613,984 alleles (0.00019%); highest among the groups gnomAD compares: Admixed American, 0.0033%; no homozygotes.

Submission:

Ambry Genetics
Classification: Uncertain significance for Cardiovascular phenotype. Last evaluated: 2021-08-07. Review status: criteria provided, single submitter. Criteria: Ambry Variant Classification Scheme 2023. Collection method: clinical testing. Allele origin: germline.
Comment: The p.D92Y variant (also known as c.274G>T), located in coding exon 3 of the CACNB2 gene, results from a G to T substitution at nucleotide position 274. The aspartic acid at codon 92 is replaced by tyrosine, an amino acid with highly dissimilar properties. This amino acid position is conserved. In addition, this alteration is predicted to be deleterious by in silico analysis. Since supporting evidence is limited at this time, the clinical significance of this alteration remains unclear.

NM_201596.3(CACNB2):c.436G>T (p.Asp146Tyr)

Gene: CACNB2 (calcium voltage-gated channel auxiliary subunit beta 2; plus strand). Cytogenetic location: 10p12.31.
Variant type: single nucleotide variant.
Coding change: c.436G>T on transcript NM_201596.3 (MANE Select); coding-DNA position 436, G replaced by T.
Protein change: p.Asp146Tyr; replaces aspartic acid 146 with tyrosine.
Molecular consequence: missense variant.
Genome position (GRCh38, 1-based): chr10:18,498,457, G>T. VCF-style: chr10-18498457-G-T. GRCh37 (hg19) VCF-style: chr10-18787386-G-T.
Other names: c.271G>T, p.Asp91Tyr (NM_000724.4, NM_001330060.2); c.352G>T, p.Asp118Tyr (NM_001167945.2, NM_201571.4, NM_201572.4); c.292G>T, p.Asp98Tyr (NM_001410882.1, NM_201570.3); c.274G>T, p.Asp92Tyr (NM_201590.3); c.436G>T, p.Asp146Tyr (NM_201593.3, NM_201597.3); short protein forms D91Y, D92Y, D146Y, D98Y, D118Y.
Identifiers: ClinVar variation 1795547 (VCV001795547.2), dbSNP rs936451598, ClinGen allele CA203213978.